The following is an entry in ClinVar:

NM_021625.5(TRPV4):c.1463C>T (p.Thr488Ile)

Gene: TRPV4 (transient receptor potential cation channel subfamily V member 4; minus strand). Cytogenetic location: 12q24.11.
Variant type: single nucleotide variant.
Coding change: c.1463C>T on transcript NM_021625.5 (MANE Select); coding-DNA position 1463, C replaced by T.
Protein change: p.Thr488Ile; replaces threonine 488 with isoleucine.
Molecular consequence: missense variant.
Genome position (GRCh38, 1-based): chr12:109,794,357, G>A on the plus strand (C>T on the coding strand, the complement: TRPV4 is on the minus strand). VCF-style: chr12-109794357-G-A. GRCh37 (hg19) VCF-style: chr12-110232162-G-A.
Other names: c.1322C>T, p.Thr441Ile (NM_001177428.2); c.1361C>T, p.Thr454Ile (NM_001177431.2); c.1142C>T, p.Thr381Ile (NM_001177433.2); c.1283C>T, p.Thr428Ile (NM_147204.3); short protein forms T381I, T428I, T441I, T454I, T488I.
Identifiers: ClinVar variation 2428214 (VCV002428214.6), dbSNP rs1480281613, ClinGen allele CA386652823.
Genomic context (GRCh38, chr12:109,794,357, plus strand): 5'-CCCCAGCCCCTGCCCGGTCCCCGGGCACTCACTGTGCCCTCCAGCGGCTGGTAGTAGGCG[G>A]TGAGAGTGAAGATGACCATGGCACACAGGTAGGAGACCACGTTGATGTAGAAGGAGACGG-3'
Protein context (NP_067638.3, residues 478-498): YLCAMVIFTL[Thr488Ile]AYYQPLEGTP

ClinVar aggregate classification (germline): Uncertain significance (1 of 4 stars; one submission).

Conditions:
Charcot-Marie-Tooth disease axonal type 2C (HMSN2C). Also called: CHARCOT-MARIE-TOOTH DISEASE, AXONAL, AUTOSOMAL DOMINANT, TYPE 2C; Charcot-Marie-Tooth Neuropathy Type 2C; Charcot-Marie-Tooth Disease Type 2, TRPV4-Related (CMT2C). Identifiers: Orphanet 99937, MedGen C1853710, MONDO:0011633, OMIM 606071.

gnomAD v4.1: 11 of 1,613,076 alleles (0.00068%); highest among the groups gnomAD compares: Non-Finnish European, 0.00093%; no homozygotes.

Submission:

Labcorp Genetics (formerly Invitae), Labcorp
Classification: Uncertain significance for Charcot-Marie-Tooth disease axonal type 2C. Last evaluated: 2022-10-20. Review status: criteria provided, single submitter. Criteria: Invitae Variant Classification Sherloc (09022015). Collection method: clinical testing. Allele origin: germline.
Comment: This sequence change replaces threonine, which is neutral and polar, with isoleucine, which is neutral and non-polar, at codon 488 of the TRPV4 protein (p.Thr488Ile). This variant is not present in population databases (gnomAD no frequency). This variant has not been reported in the literature in individuals affected with TRPV4-related conditions. Advanced modeling of protein sequence and biophysical properties (such as structural, functional, and spatial information, amino acid conservation, physicochemical variation, residue mobility, and thermodynamic stability) performed at Invitae indicates that this missense variant is not expected to disrupt TRPV4 protein function. In summary, the available evidence is currently insufficient to determine the role of this variant in disease. Therefore, it has been classified as a Variant of Uncertain Significance.